The following is an entry in ClinVar:

NM_005670.4(EPM2A):c.162G>A (p.Leu54=)

Genes: EPM2A (EPM2A glucan phosphatase, laforin; minus strand), EPM2A-DT (EPM2A divergent transcript; plus strand), LOC129997381 (ATAC-STARR-seq lymphoblastoid silent region 17642; plus strand). Cytogenetic location: 6q24.3.
Variant type: single nucleotide variant.
Coding change: c.162G>A on transcript NM_005670.4 (MANE Select); coding-DNA position 162, G replaced by A.
Protein change: p.Leu54=; no amino-acid change (leucine 54 retained).
Molecular consequence: synonymous variant. On other transcripts: 5 prime UTR variant (3), intron variant (1).
Genome position (GRCh38, 1-based): chr6:145,735,337, C>T on the plus strand (G>A on the coding strand, the complement: EPM2A is on the minus strand). VCF-style: chr6-145735337-C-T. GRCh37 (hg19) VCF-style: chr6-146056473-C-T.
Other names: c.162G>A, p.Leu54= (NM_001018041.2, NM_001360057.2, NM_001368130.1); c.-508G>A (NM_001360071.2); c.-462G>A (NM_001368129.2); c.-206G>A (NM_001368131.1); c.-114+571G>A (NM_001360064.2).
Identifiers: ClinVar variation 512941 (VCV000512941.9), dbSNP rs1223558074, ClinGen allele CA452726294.

ClinVar aggregate classification (germline): Likely benign. Review status: criteria provided, multiple submitters, no conflicts (2 of 4 stars). 2 submissions from 2 submitters: Likely benign (2). Last evaluated 2025-04-15.

Conditions:
Progressive myoclonic epilepsy. Also called: Myoclonus epilepsy; Progressive myoclonus epilepsy; Familial progressive myoclonic epilepsy; Myoclonic Epilepsies, Progressive. Identifiers: Orphanet 308, Orphanet 98261, MedGen C0751778, MONDO:0020074.

gnomAD v4.1: 11 of 1,367,996 alleles (0.0008%); highest among the groups gnomAD compares: Non-Finnish European, 0.00095%; no homozygotes.

Submissions (2):

Labcorp Genetics (formerly Invitae), Labcorp
Classification: Likely benign for Progressive myoclonic epilepsy. Last evaluated: 2025-04-15. Review status: criteria provided, single submitter. Criteria: Invitae Variant Classification Sherloc (09022015). Collection method: clinical testing. Allele origin: germline.

GeneDx
Classification: Likely benign. Last evaluated: 2017-10-27. Review status: criteria provided, single submitter. Criteria: GeneDx Variant Classification (06012015). Collection method: clinical testing. Allele origin: germline. Affected: yes.
Comment: This variant is considered likely benign or benign based on one or more of the following criteria: it is a conservative change, it occurs at a poorly conserved position in the protein, it is predicted to be benign by multiple in silico algorithms, and/or has population frequency not consistent with disease.